The following is an entry in ClinVar:

NM_052867.4(NALCN):c.3751A>G (p.Ile1251Val)

Gene: NALCN (sodium leak channel, non-selective; minus strand). Cytogenetic location: 13q32.3.
Variant type: single nucleotide variant.
Coding change: c.3751A>G on transcript NM_052867.4 (MANE Select); coding-DNA position 3751, A replaced by G.
Protein change: p.Ile1251Val; replaces isoleucine 1251 with valine.
Molecular consequence: missense variant.
Genome position (GRCh38, 1-based): chr13:101,082,823, T>C on the plus strand (A>G on the coding strand, the complement: NALCN is on the minus strand). VCF-style: chr13-101082823-T-C. GRCh37 (hg19) VCF-style: chr13-101735174-T-C.
Other names: c.3838A>G, p.Ile1280Val (NM_001350748.2); c.3751A>G, p.Ile1251Val (NM_001350749.2); c.3664A>G, p.Ile1222Val (NM_001350750.2, NM_001350751.2); short protein forms I1222V, I1251V, I1280V.
Identifiers: ClinVar variation 1300576 (VCV001300576.8), dbSNP rs758254737, ClinGen allele CA7035313.

ClinVar aggregate classification (germline): Uncertain significance. Review status: criteria provided, multiple submitters, no conflicts (2 of 4 stars). 3 submissions from 3 submitters: Uncertain significance (3). Last evaluated 2026-01-23.

Conditions:
Inborn genetic diseases. Identifiers: MedGen C0950123, MeSH D030342.

Allele frequency attached by ClinVar (database versions not stated): gnomAD exomes below 0.00001 and 0.00002; TOPMed 0.00002; ExAC 0.00003.
gnomAD v4.1: 8 of 1,614,074 alleles (0.0005%); highest among the groups gnomAD compares: Admixed American, 0.0083%; no homozygotes.

Submissions (3):

GeneDx
Classification: Uncertain significance. Last evaluated: 2026-01-23. Review status: criteria provided, single submitter. Criteria: GeneDx Variant Classification Process June 2021. Collection method: clinical testing. Allele origin: germline. Affected: yes.
Comment: Has not been previously published as pathogenic or benign to our knowledge; In silico analysis suggests that this missense variant does not alter protein structure/function

Ambry Genetics
Classification: Uncertain significance for Inborn genetic diseases. Last evaluated: 2025-03-27. Review status: criteria provided, single submitter. Criteria: Ambry Variant Classification Scheme 2023. Collection method: clinical testing. Allele origin: germline.

Labcorp Genetics (formerly Invitae), Labcorp
Classification: Uncertain significance. Last evaluated: 2023-11-27. Review status: criteria provided, single submitter. Criteria: Invitae Variant Classification Sherloc (09022015). Collection method: clinical testing. Allele origin: germline.
Comment: This sequence change replaces isoleucine, which is neutral and non-polar, with valine, which is neutral and non-polar, at codon 1251 of the NALCN protein (p.Ile1251Val). This variant is present in population databases (rs758254737, gnomAD 0.02%). This variant has not been reported in the literature in individuals affected with NALCN-related conditions. ClinVar contains an entry for this variant (Variation ID: 1300576). Advanced modeling of protein sequence and biophysical properties (such as structural, functional, and spatial information, amino acid conservation, physicochemical variation, residue mobility, and thermodynamic stability) performed at Invitae indicates that this missense variant is not expected to disrupt NALCN protein function with a negative predictive value of 80%. In summary, the available evidence is currently insufficient to determine the role of this variant in disease. Therefore, it has been classified as a Variant of Uncertain Significance.